The following is an entry in ClinVar:

NM_006258.4(PRKG1):c.958G>A (p.Val320Ile)

Gene: PRKG1 (protein kinase cGMP-dependent 1; plus strand). Cytogenetic location: 10q21.1.
Variant type: single nucleotide variant.
Coding change: c.958G>A on transcript NM_006258.4 (MANE Select); coding-DNA position 958, G replaced by A.
Protein change: p.Val320Ile; replaces valine 320 with isoleucine.
Molecular consequence: missense variant.
Genome position (GRCh38, 1-based): chr10:52,133,862, G>A. VCF-style: chr10-52133862-G-A. GRCh37 (hg19) VCF-style: chr10-53893622-G-A.
Other names: c.958G>A, p.Val320Ile (LRG_1135t1); c.913G>A, p.Val305Ile (LRG_1135t2, NM_001098512.3); short protein forms V305I, V320I.
Identifiers: ClinVar variation 520135 (VCV000520135.9), dbSNP rs768491086, ClinGen allele CA5503704.
Genomic context (GRCh38, chr10:52,133,862, plus strand): 5'-AAGGTTATTTTATTTGAATGTCTCTATTTTTCACATAGGGAAGATGTGAGAACAGCAAAC[G>A]TAATTGCTGCAGAAGCTGTAACCTGCCTTGTGATTGACAGAGAGTAAGTACATTGTTTTA-3'
Protein context (NP_006249.1, residues 310-330): LQGEDVRTAN[Val320Ile]IAAEAVTCLV

ClinVar aggregate classification (germline): Uncertain significance. Review status: criteria provided, multiple submitters, no conflicts (2 of 4 stars). 3 submissions from 3 submitters: Uncertain significance (3). Last evaluated 2026-05-30.

Conditions:
Aortic aneurysm, familial thoracic 8 (AAT8). Identifiers: MedGen C3809513, MONDO:0014187, OMIM 615436.
Familial thoracic aortic aneurysm and aortic dissection (TAAD). Also called: Thoracic aortic aneurysms and dissections. Identifiers: Orphanet 91387, MedGen C4707243, MONDO:0019625.

Allele frequency attached by ClinVar (database versions not stated): gnomAD exomes below 0.00001 and 0.00001; ExAC 0.00001; TOPMed 0.00002.
gnomAD v4.1: 10 of 1,613,074 alleles (0.00062%); highest among the groups gnomAD compares: African/African-American, 0.0013%; no homozygotes.

Submissions (3):

Women's Health and Genetics/Laboratory Corporation of America, LabCorp
Classification: Uncertain significance. Last evaluated: 2026-05-30. Review status: criteria provided, single submitter. Criteria: LabCorp Variant Classification Summary - May 2015. Collection method: clinical testing. Allele origin: germline.

Labcorp Genetics (formerly Invitae), Labcorp
Classification: Uncertain significance for Aortic aneurysm, familial thoracic 8. Last evaluated: 2023-10-05. Review status: criteria provided, single submitter. Criteria: Invitae Variant Classification Sherloc (09022015). Collection method: clinical testing. Allele origin: germline.
Comment: This sequence change replaces valine, which is neutral and non-polar, with isoleucine, which is neutral and non-polar, at codon 320 of the PRKG1 protein (p.Val320Ile). This variant is not present in population databases (gnomAD no frequency). This variant has not been reported in the literature in individuals affected with PRKG1-related conditions. ClinVar contains an entry for this variant (Variation ID: 520135). An algorithm developed to predict the effect of missense changes on protein structure and function (PolyPhen-2) suggests that this variant is likely to be tolerated. In summary, the available evidence is currently insufficient to determine the role of this variant in disease. Therefore, it has been classified as a Variant of Uncertain Significance.

Ambry Genetics
Classification: Uncertain significance for Familial thoracic aortic aneurysm and aortic dissection. Last evaluated: 2016-07-12. Review status: criteria provided, single submitter. Criteria: Ambry Variant Classification Scheme 2023. Collection method: clinical testing. Allele origin: germline.
Comment: The p.V320I variant (also known as c.958G>A), located in coding exon 8 of the PRKG1 gene, results from a G to A substitution at nucleotide position 958. The valine at codon 320 is replaced by isoleucine, an amino acid with highly similar properties. Based on data from ExAC, the A allele has an overall frequency of less than 0.01% (1/105104). This amino acid position is highly conserved in available vertebrate species. In addition, the in silico prediction for this alteration is inconclusive. Since supporting evidence is limited at this time, the clinical significance of this alteration remains unclear.